The following is an entry in ClinVar:

NM_001042432.2(CLN3):c.837+12G>A

Gene: CLN3 (CLN3 lysosomal/endosomal transmembrane protein, battenin; minus strand). Cytogenetic location: 16p12.1.
Variant type: single nucleotide variant.
Coding change: c.837+12G>A on transcript NM_001042432.2 (MANE Select); 12 bases into the intron after coding-DNA position 837, G replaced by A.
Molecular consequence: intron variant.
Genome position (GRCh38, 1-based): chr16:28,482,614, C>T on the plus strand (G>A on the coding strand, the complement: CLN3 is on the minus strand). VCF-style: chr16-28482614-C-T. GRCh37 (hg19) VCF-style: chr16-28493935-C-T.
Other names: c.603+12G>A (NM_001286109.2); c.765+12G>A (NM_001286104.2); c.537+12G>A (NM_001286105.2); c.675+12G>A (NM_001286110.2); c.837+12G>A (NM_000086.2).
Identifiers: ClinVar variation 515026 (VCV000515026.5), dbSNP rs763812265, ClinGen allele CA7980805.

ClinVar aggregate classification (germline): Likely benign. Review status: criteria provided, multiple submitters, no conflicts (2 of 4 stars). 3 submissions from 3 submitters: Likely benign (3). Last evaluated 2025-11-22.

Conditions:
Neuronal ceroid lipofuscinosis. Also called: Neuronal Ceroid Lipofuscinoses. Identifiers: Orphanet 216, Orphanet 79263, MedGen C0027877, MONDO:0016295. Disease mechanism: loss of function.

Allele frequency attached by ClinVar (database versions not stated): ExAC 0.00001; gnomAD exomes 0.00001; TOPMed 0.00002.
gnomAD v4.1: 1 of 1,614,184 alleles (0.000062%); highest among the groups gnomAD compares: Admixed American, 0.0017%; no homozygotes.

Submissions (3):

Labcorp Genetics (formerly Invitae), Labcorp
Classification: Likely benign for Neuronal ceroid lipofuscinosis. Last evaluated: 2025-11-22. Review status: criteria provided, single submitter. Criteria: Invitae Variant Classification Sherloc (09022015). Collection method: clinical testing. Allele origin: germline.

GeneDx
Classification: Likely benign. Last evaluated: 2018-01-19. Review status: criteria provided, single submitter. Criteria: GeneDx Variant Classification (06012015). Collection method: clinical testing. Allele origin: germline. Affected: yes.
Comment: This variant is considered likely benign or benign based on one or more of the following criteria: it is a conservative change, it occurs at a poorly conserved position in the protein, it is predicted to be benign by multiple in silico algorithms, and/or has population frequency not consistent with disease.

Blueprint Genetics
Classification: Likely benign. Last evaluated: 2017-08-04. Review status: criteria provided, single submitter. Criteria: ACMG Guidelines, 2015. Collection method: clinical testing. Allele origin: germline.